The following is an entry in ClinVar:

ClinVar aggregate classification (germline): Likely benign (1 of 4 stars; one submission).

gnomAD v4.1: 137 of 1,610,140 alleles (0.0085%); highest among the groups gnomAD compares: Non-Finnish European, 0.0099%; no homozygotes.

Submission:

CeGaT Center for Human Genetics Tuebingen
Classification: Likely benign. Last evaluated: 2024-10-01. Review status: criteria provided, single submitter. Criteria: CeGaT Center For Human Genetics Tuebingen Variant Classification Criteria Version 2. Collection method: clinical testing. Allele origin: germline. Affected: yes. Observed: 1 variant allele.
Comment: HYDIN: BP4, BP7

NM_001270974.2(HYDIN):c.177C>T (p.Thr59=)

Gene: HYDIN (HYDIN axonemal central pair apparatus protein; minus strand). Cytogenetic location: 16q22.2.
Variant type: single nucleotide variant.
Coding change: c.177C>T on transcript NM_001270974.2 (MANE Select); coding-DNA position 177, C replaced by T.
Protein change: p.Thr59=; no amino-acid change (threonine 59 retained).
Molecular consequence: synonymous variant.
Genome position (GRCh38, 1-based): chr16:71,184,949, G>A on the plus strand (C>T on the coding strand, the complement: HYDIN is on the minus strand). VCF-style: chr16-71184949-G-A. GRCh37 (hg19) VCF-style: chr16-71218852-G-A.
Other names: c.258C>T, p.Thr86= (NM_001198542.1); c.228C>T, p.Thr76= (NM_001198543.1); c.177C>T, p.Thr59= (NM_017558.5).
Identifiers: ClinVar variation 3388593 (VCV003388593.14).